The following is an entry in ClinVar:

NM_130384.3(ATRIP):c.1270C>T (p.Gln424Ter)

Genes: ATRIP (ATR interacting protein; plus strand), ATRIP-TREX1 (ATRIP-TREX1 readthrough; plus strand). Cytogenetic location: 3p21.31.
Variant type: single nucleotide variant.
Coding change: c.1270C>T on transcript NM_130384.3 (MANE Select); coding-DNA position 1270, C replaced by T.
Protein change: p.Gln424Ter; replaces glutamine 424 with a stop codon.
Molecular consequence: nonsense. On other transcripts: non-coding transcript variant (1).
Genome position (GRCh38, 1-based): chr3:48,460,324, C>T. VCF-style: chr3-48460324-C-T. GRCh37 (hg19) VCF-style: chr3-48501723-C-T.
Other names: c.889C>T, p.Gln297Ter (NM_001271022.2); c.991C>T, p.Gln331Ter (NM_001271023.2); c.1270C>T, p.Gln424Ter (NM_032166.4); short protein forms Q331*, Q424*, Q297*.
Identifiers: ClinVar variation 3811065 (VCV003811065.1).

ClinVar aggregate classification (germline): Uncertain significance (1 of 4 stars; one submission).

gnomAD v4.1: 1 of 1,613,732 alleles (0.000062%); highest among the groups gnomAD compares: Non-Finnish European, 0.000085%; no homozygotes.

Submission:

Ambry Genetics
Classification: Uncertain significance. Last evaluated: 2025-03-14. Review status: criteria provided, single submitter. Criteria: Ambry Variant Classification Scheme 2023. Collection method: clinical testing. Allele origin: germline.
Comment: The p.Q424* variant (also known as c.1270C>T), located in coding exon 8 of the ATRIP gene, results from a C to T substitution at nucleotide position 1270. This changes the amino acid from a glutamine to a stop codon within coding exon 8. This alteration is expected to result in loss of function by premature protein truncation or nonsense-mediated mRNA decay. The evidence for this gene-disease relationship is limited; therefore, the clinical significance of this alteration is unclear.